The following is an entry in ClinVar:

ClinVar aggregate classification (germline): Uncertain significance. Review status: criteria provided, single submitter (1 of 4 stars). 2 submissions from 2 submitters: Uncertain significance (1). 1 of the submissions does not count toward it. Last evaluated 2022-08-13.

Conditions:
PPP3CA-related disorder. Also called: PPP3CA-related disorders; PPP3CA-related condition.

Allele frequency attached by ClinVar (database versions not stated): gnomAD 0.00001; gnomAD exomes 0.00003.
gnomAD v4.1: 40 of 1,531,018 alleles (0.0026%); highest among the groups gnomAD compares: Non-Finnish European, 0.0035%; no homozygotes.

Submissions (2):

Labcorp Genetics (formerly Invitae), Labcorp
Classification: Uncertain significance. Last evaluated: 2022-08-13. Review status: criteria provided, single submitter. Criteria: Invitae Variant Classification Sherloc (09022015). Collection method: clinical testing. Allele origin: germline.
Comment: In summary, the available evidence is currently insufficient to determine the role of this variant in disease. Therefore, it has been classified as a Variant of Uncertain Significance. Algorithms developed to predict the effect of missense changes on protein structure and function (SIFT, PolyPhen-2, Align-GVGD) all suggest that this variant is likely to be tolerated. This variant has not been reported in the literature in individuals affected with PPP3CA-related conditions. This variant is present in population databases (no rsID available, gnomAD 0.007%). This sequence change replaces threonine, which is neutral and polar, with serine, which is neutral and polar, at codon 296 of the PPP3CA protein (p.Thr296Ser).

PreventionGenetics, part of Exact Sciences
Classification: Likely benign for PPP3CA-related condition. Last evaluated: 2024-06-27. Review status: no assertion criteria provided. Collection method: clinical testing. Allele origin: germline. Not counted in ClinVar's aggregate classification.
Comment: This variant is classified as likely benign based on ACMG/AMP sequence variant interpretation guidelines (Richards et al. 2015 PMID: 25741868, with internal and published modifications).

NM_000944.5(PPP3CA):c.886A>T (p.Thr296Ser)

Gene: PPP3CA (protein phosphatase 3 catalytic subunit alpha; minus strand). Cytogenetic location: 4q24.
Variant type: single nucleotide variant.
Coding change: c.886A>T on transcript NM_000944.5 (MANE Select); coding-DNA position 886, A replaced by T.
Protein change: p.Thr296Ser; replaces threonine 296 with serine.
Molecular consequence: missense variant.
Genome position (GRCh38, 1-based): chr4:101,080,601, T>A on the plus strand (A>T on the coding strand, the complement: PPP3CA is on the minus strand). VCF-style: chr4-101080601-T-A. GRCh37 (hg19) VCF-style: chr4-102001758-T-A.
Other names: c.886A>T, p.Thr296Ser (NM_001130691.2, NM_001130692.2); c.886A>T (NM_000944.4); short protein forms T296S.
Identifiers: ClinVar variation 1935756 (VCV001935756.6), dbSNP rs1427394223, ClinGen allele CA357949689.